The following is an entry in ClinVar:

ClinVar aggregate classification (germline): Likely benign. Review status: criteria provided, multiple submitters, no conflicts (2 of 4 stars). 2 submissions from 2 submitters: Likely benign (2). Last evaluated 2025-03-16.

Conditions:
Autosomal recessive limb-girdle muscular dystrophy type 2J (LGMDR10). Also called: MUSCULAR DYSTROPHY, LIMB-GIRDLE, AUTOSOMAL RECESSIVE 10; Limb-girdle muscular dystrophy, type 2J. Identifiers: Orphanet 140922, MedGen C1837342, MONDO:0012127, OMIM 608807.
Dilated cardiomyopathy 1G (CMD1G). Identifiers: Orphanet 154, MedGen C1858763, MONDO:0011400, OMIM 604145.

Allele frequency attached by ClinVar (database versions not stated): gnomAD 0.00001; gnomAD exomes 0.00001 and 0.00006; TOPMed 0.00001; ExAC 0.00002; ESP Exome Variant Server 0.00015.
gnomAD v4.1: 93 of 1,612,054 alleles (0.0058%); highest among the groups gnomAD compares: Non-Finnish European, 0.0075%; no homozygotes.

Submissions (2):

Labcorp Genetics (formerly Invitae), Labcorp
Classification: Likely benign for Dilated cardiomyopathy 1G; Autosomal recessive limb-girdle muscular dystrophy type 2J. Last evaluated: 2025-03-16. Review status: criteria provided, single submitter. Criteria: Invitae Variant Classification Sherloc (09022015). Collection method: clinical testing. Allele origin: germline.

GeneDx
Classification: Likely benign. Last evaluated: 2018-02-27. Review status: criteria provided, single submitter. Criteria: GeneDx Variant Classification (06012015). Collection method: clinical testing. Allele origin: germline. Affected: yes.
Comment: This variant is considered likely benign or benign based on one or more of the following criteria: it is a conservative change, it occurs at a poorly conserved position in the protein, it is predicted to be benign by multiple in silico algorithms, and/or has population frequency not consistent with disease.

NM_001267550.2(TTN):c.4209-17G>A

Genes: TTN (titin; minus strand), LOC101927055 (uncharacterized LOC101927055; plus strand). Cytogenetic location: 2q31.2.
Variant type: single nucleotide variant.
Coding change: c.4209-17G>A on transcript NM_001267550.2 (MANE Select); 17 bases into the intron before coding-DNA position 4209, G replaced by A.
Molecular consequence: intron variant. On other transcripts: non-coding transcript variant (1).
Genome position (GRCh38, 1-based): chr2:178,777,992, C>T on the plus strand (G>A on the coding strand, the complement: TTN is on the minus strand). VCF-style: chr2-178777992-C-T. GRCh37 (hg19) VCF-style: chr2-179642719-C-T.
Other names: c.4071-17G>A (NM_003319.4, NM_133437.4, NM_133432.3); c.4209-17G>A (NM_133378.4, NM_001256850.1, NM_133379.5).
Identifiers: ClinVar variation 515861 (VCV000515861.9), dbSNP rs373298221, ClinGen allele CA2005364.